The following is an entry in ClinVar:

NM_001853.4(COL9A3):c.1072G>A (p.Gly358Ser)

Gene: COL9A3 (collagen type IX alpha 3 chain; plus strand). Cytogenetic location: 20q13.33.
Variant type: single nucleotide variant.
Coding change: c.1072G>A on transcript NM_001853.4 (MANE Select); coding-DNA position 1072, G replaced by A.
Protein change: p.Gly358Ser; replaces glycine 358 with serine.
Molecular consequence: missense variant.
Genome position (GRCh38, 1-based): chr20:62,829,646, G>A. VCF-style: chr20-62829646-G-A. GRCh37 (hg19) VCF-style: chr20-61460998-G-A.
Other names: short protein forms G358S.
Identifiers: ClinVar variation 3702098 (VCV003702098.2).

ClinVar aggregate classification (germline): Uncertain significance (1 of 4 stars; one submission).

Submission:

Labcorp Genetics (formerly Invitae), Labcorp
Classification: Uncertain significance. Last evaluated: 2024-11-25. Review status: criteria provided, single submitter. Criteria: Invitae Variant Classification Sherloc (09022015). Collection method: clinical testing. Allele origin: germline.
Comment: This sequence change replaces glycine, which is neutral and non-polar, with serine, which is neutral and polar, at codon 358 of the COL9A3 protein (p.Gly358Ser). This variant is not present in population databases (gnomAD no frequency). This variant has not been reported in the literature in individuals affected with COL9A3-related conditions. Invitae Evidence Modeling of protein sequence and biophysical properties (such as structural, functional, and spatial information, amino acid conservation, physicochemical variation, residue mobility, and thermodynamic stability) indicates that this missense variant is expected to disrupt COL9A3 protein function with a positive predictive value of 95%. In summary, the available evidence is currently insufficient to determine the role of this variant in disease. Therefore, it has been classified as a Variant of Uncertain Significance.